The following is an entry in ClinVar:

NM_006363.6(SEC23B):c.1455G>A (p.Thr485=)

Gene: SEC23B (SEC23 homolog B, COPII component; plus strand). Cytogenetic location: 20p11.23.
Variant type: single nucleotide variant.
Coding change: c.1455G>A on transcript NM_006363.6 (MANE Select); coding-DNA position 1455, G replaced by A.
Protein change: p.Thr485=; no amino-acid change (threonine 485 retained).
Molecular consequence: synonymous variant.
Genome position (GRCh38, 1-based): chr20:18,542,346, G>A. VCF-style: chr20-18542346-G-A. GRCh37 (hg19) VCF-style: chr20-18522990-G-A.
Other names: c.1455G>A, p.Thr485= (NM_001172745.3, NM_032985.6, NM_032986.5); c.1401G>A, p.Thr467= (NM_001172746.3).
Identifiers: ClinVar variation 2652223 (VCV002652223.27), dbSNP rs553661024, ClinGen allele CA9778362.

ClinVar aggregate classification (germline): Likely benign. Review status: criteria provided, multiple submitters, no conflicts (2 of 4 stars). 2 submissions from 2 submitters: Likely benign (2). Last evaluated 2024-03-26.

Conditions:
Cowden syndrome 7 (CWS7). Identifiers: Orphanet 201, MedGen C4225179, MONDO:0014802, OMIM 616858.
Congenital dyserythropoietic anemia, type II (CDAN2). Also called: DYSERYTHROPOIETIC ANEMIA, HEMPAS TYPE. Identifiers: Orphanet 98873, MedGen C1306589, MONDO:0009134, OMIM 224100.

gnomAD v4.1: 11 of 1,614,194 alleles (0.00068%); highest among the groups gnomAD compares: Admixed American, 0.0017%; no homozygotes.

Submissions (2):

Labcorp Genetics (formerly Invitae), Labcorp
Classification: Likely benign for Congenital dyserythropoietic anemia, type II; Cowden syndrome 7. Last evaluated: 2024-03-26. Review status: criteria provided, single submitter. Criteria: Invitae Variant Classification Sherloc (09022015). Collection method: clinical testing. Allele origin: germline.

CeGaT Center for Human Genetics Tuebingen
Classification: Likely benign. Last evaluated: 2023-03-01. Review status: criteria provided, single submitter. Criteria: CeGaT Center For Human Genetics Tuebingen Variant Classification Criteria Version 2. Collection method: clinical testing. Allele origin: germline. Affected: yes. Observed: 1 variant allele.
Comment: SEC23B: BP4, BP7